The following is an entry in ClinVar:

ClinVar aggregate classification (germline): Uncertain significance. Review status: criteria provided, multiple submitters, no conflicts (2 of 4 stars). 3 submissions from 3 submitters: Uncertain significance (2). 1 of the submissions does not count toward it. Last evaluated 2026-01-27.

Conditions:
Hajdu-Cheney syndrome (HJCYS). Also called: Acroosteolysis dominant type; SERPENTINE FIBULA-POLYCYSTIC KIDNEY SYNDROME; ACROOSTEOLYSIS WITH OSTEOPOROSIS AND CHANGES IN SKULL AND MANDIBLE. Identifiers: Orphanet 955, MedGen C0917715, MONDO:0007057, OMIM 102500.
NOTCH2-related disorder. Also called: NOTCH2-related condition.

Allele frequency attached by ClinVar (database versions not stated): gnomAD exomes 0.00001; gnomAD 0.00003; TOPMed 0.00003.
gnomAD v4.1: 16 of 1,608,000 alleles (0.001%); highest among the groups gnomAD compares: Admixed American, 0.025%; no homozygotes.

Submissions (3):

Labcorp Genetics (formerly Invitae), Labcorp
Classification: Uncertain significance for Hajdu-Cheney syndrome. Last evaluated: 2026-01-27. Review status: criteria provided, single submitter. Criteria: Invitae Variant Classification Sherloc (09022015). Collection method: clinical testing. Allele origin: germline.
Comment: This sequence change replaces proline, which is neutral and non-polar, with serine, which is neutral and polar, at codon 2329 of the NOTCH2 protein (p.Pro2329Ser). This variant is present in population databases (no rsID available, gnomAD 0.006%). This variant has not been reported in the literature in individuals affected with NOTCH2-related conditions. ClinVar contains an entry for this variant (Variation ID: 593210). Invitae Evidence Modeling of protein sequence and biophysical properties (such as structural, functional, and spatial information, amino acid conservation, physicochemical variation, residue mobility, and thermodynamic stability) indicates that this missense variant is not expected to disrupt NOTCH2 protein function with a negative predictive value of 80%. In summary, the available evidence is currently insufficient to determine the role of this variant in disease. Therefore, it has been classified as a Variant of Uncertain Significance.

Eurofins Ntd Llc (ga)
Classification: Uncertain significance. Last evaluated: 2017-07-11. Review status: criteria provided, single submitter. Criteria: EGL Classification Definitions 2015. Collection method: clinical testing. Allele origin: germline. Observed: 1 variant allele, 1 heterozygote.

PreventionGenetics, part of Exact Sciences
Classification: Uncertain significance for NOTCH2-related condition. Last evaluated: 2024-05-24. Review status: no assertion criteria provided. Collection method: clinical testing. Allele origin: germline. Not counted in ClinVar's aggregate classification.
Comment: The NOTCH2 c.6985C>T variant is predicted to result in the amino acid substitution p.Pro2329Ser. To our knowledge, this variant has not been reported in the literature. This variant is reported in 0.0087% of alleles in individuals of Latino descent in gnomAD. At this time, the clinical significance of this variant is uncertain due to the absence of conclusive functional and genetic evidence.

NM_024408.4(NOTCH2):c.6985C>T (p.Pro2329Ser)

Gene: NOTCH2 (notch receptor 2; minus strand). Cytogenetic location: 1p12.
Variant type: single nucleotide variant.
Coding change: c.6985C>T on transcript NM_024408.4 (MANE Select); coding-DNA position 6985, C replaced by T.
Protein change: p.Pro2329Ser; replaces proline 2329 with serine.
Molecular consequence: missense variant.
Genome position (GRCh38, 1-based): chr1:119,915,737, G>A on the plus strand (C>T on the coding strand, the complement: NOTCH2 is on the minus strand). VCF-style: chr1-119915737-G-A. GRCh37 (hg19) VCF-style: chr1-120458360-G-A.
Other names: c.6985C>T (NM_024408.3); short protein forms P2329S.
Identifiers: ClinVar variation 593210 (VCV000593210.15), dbSNP rs1278379367, ClinGen allele CA341874382.